The following is an entry in ClinVar:

ClinVar aggregate classification (germline): Uncertain significance (1 of 4 stars; one submission).

Conditions:
Nemaline myopathy 2 (NEM2). Also called: Nemaline myopathy 2, autosomal recessive. Identifiers: MedGen C1850569, MONDO:0009725, OMIM 256030.

Submission:

Labcorp Genetics (formerly Invitae), Labcorp
Classification: Uncertain significance for Nemaline myopathy 2. Last evaluated: 2020-09-15. Review status: criteria provided, single submitter. Criteria: Invitae Variant Classification Sherloc (09022015). Collection method: clinical testing. Allele origin: germline.
Comment: In summary, the available evidence is currently insufficient to determine the role of this variant in disease. Therefore, it has been classified as a Variant of Uncertain Significance. Algorithms developed to predict the effect of missense changes on protein structure and function are either unavailable or do not agree on the potential impact of this missense change (SIFT: "Deleterious"; PolyPhen-2: "Not Available"; Align-GVGD: "Class C0"). This variant has not been reported in the literature in individuals with NEB-related conditions. This variant is not present in population databases (ExAC no frequency). This sequence change replaces tyrosine with phenylalanine at codon 6600 of the NEB protein (p.Tyr6600Phe). The tyrosine residue is moderately conserved and there is a small physicochemical difference between tyrosine and phenylalanine.

NM_001164508.2(NEB):c.19799A>T (p.Tyr6600Phe)

Gene: NEB (nebulin; minus strand). Cytogenetic location: 2q23.3.
Variant type: single nucleotide variant.
Coding change: c.19799A>T on transcript NM_001164508.2 (MANE Select); coding-DNA position 19799, A replaced by T.
Protein change: p.Tyr6600Phe; replaces tyrosine 6600 with phenylalanine.
Molecular consequence: missense variant.
Genome position (GRCh38, 1-based): chr2:151,552,709, T>A on the plus strand (A>T on the coding strand, the complement: NEB is on the minus strand). VCF-style: chr2-151552709-T-A. GRCh37 (hg19) VCF-style: chr2-152409223-T-A.
Other names: c.19799A>T, p.Tyr6600Phe (NM_001164507.2, NM_001271208.2); c.14696A>T, p.Tyr4899Phe (NM_004543.5); short protein forms Y4899F, Y6600F.
Identifiers: ClinVar variation 1038902 (VCV001038902.8), dbSNP rs2095412773, ClinGen allele CA348787746.